The following is an entry in ClinVar:

ClinVar aggregate classification (germline): Benign. Review status: criteria provided, multiple submitters, no conflicts (2 of 4 stars). 3 submissions from 3 submitters: Benign (3). Last evaluated 2026-02-02.

Conditions:
LIPG-related disorder. Also called: LIPG-related condition.

Allele frequency attached by ClinVar (database versions not stated): gnomAD exomes 0.00709 and 0.01522; ExAC 0.01691; 1000 Genomes Project 0.04473; gnomAD 0.04693 and 0.05027; 1000 Genomes Project 30x 0.04950; TOPMed 0.05442; ESP Exome Variant Server 0.05490.
gnomAD v4.1: 18,013 of 1,613,570 alleles (1.1%); highest among the groups gnomAD compares: African/African-American, 15%; 984 homozygotes.

Submissions (3):

Labcorp Genetics (formerly Invitae), Labcorp
Classification: Benign. Last evaluated: 2026-02-02. Review status: criteria provided, single submitter. Criteria: Invitae Variant Classification Sherloc (09022015). Collection method: clinical testing. Allele origin: germline.

PreventionGenetics, part of Exact Sciences
Classification: Benign for LIPG-related condition. Last evaluated: 2024-12-23. Review status: criteria provided, single submitter. Criteria: ACMG Guidelines, 2015. Collection method: clinical testing. Allele origin: germline.
Comment: This variant is classified as benign based on ACMG/AMP sequence variant interpretation guidelines (Richards et al. 2015 PMID: 25741868, with internal and published modifications).

Breakthrough Genomics
Classification: Benign. Review status: criteria provided, single submitter. Criteria: ACMG Guidelines, 2015. Collection method: not provided. Allele origin: germline. Inheritance: Unknown mechanism. Affected: yes.

NM_006033.4(LIPG):c.63C>T (p.Ser21=)

Gene: LIPG (lipase G, endothelial type; plus strand). Cytogenetic location: 18q21.1.
Variant type: single nucleotide variant.
Coding change: c.63C>T on transcript NM_006033.4 (MANE Select); coding-DNA position 63, C replaced by T.
Protein change: p.Ser21=; no amino-acid change (serine 21 retained).
Molecular consequence: synonymous variant.
Genome position (GRCh38, 1-based): chr18:49,562,371, C>T. VCF-style: chr18-49562371-C-T. GRCh37 (hg19) VCF-style: chr18-47088741-C-T.
Other names: c.63C>T (NM_006033.3); c.63C>T, p.Ser21= (NM_001308006.2).
Identifiers: ClinVar variation 1592089 (VCV001592089.10), dbSNP rs874566, ClinGen allele CA8958965.
Genomic context (GRCh38, chr18:49,562,371, plus strand): 5'-GAGCAACTCCGTTCCTCTGCTCTGTTTCTGGAGCCTCTGCTATTGCTTTGCTGCGGGGAG[C>T]CCCGTACCTTTTGGTCCAGAGGGACGGCTGGAAGGTAACGTGAATTTGTTTTTATTCCCC-3'
Protein context (NP_006024.1, residues 11-31): WSLCYCFAAG[Ser21=]PVPFGPEGRL